The following is an entry in ClinVar:

NM_000454.5(SOD1):c.185G>C (p.Gly62Ala)

Gene: SOD1 (superoxide dismutase 1; plus strand). Cytogenetic location: 21q22.11.
Variant type: single nucleotide variant.
Coding change: c.185G>C on transcript NM_000454.5 (MANE Select); coding-DNA position 185, G replaced by C.
Protein change: p.Gly62Ala; replaces glycine 62 with alanine.
Molecular consequence: missense variant.
Genome position (GRCh38, 1-based): chr21:31,666,464, G>C. VCF-style: chr21-31666464-G-C. GRCh37 (hg19) VCF-style: chr21-33038777-G-C.
Other names: short protein forms G62A.
Identifiers: ClinVar variation 5018794 (VCV005018794.2).

ClinVar aggregate classification (germline): Likely pathogenic (1 of 4 stars; one submission).

Conditions:
Spastic tetraplegia and axial hypotonia, progressive. Also called: SOD1 DEFICIENCY, AUTOSOMAL RECESSIVE. Identifiers: MedGen C5231422, MONDO:0032828, OMIM 618598.
Amyotrophic lateral sclerosis type 1 (ALS1). Also called: AMYOTROPHIC LATERAL SCLEROSIS 1, FAMILIAL. Identifiers: Orphanet 803, MedGen C1862939, MONDO:0007103, OMIM 105400.

Submission:

Juno Genomics, Hangzhou Juno Genomics, Inc
Classification: Likely pathogenic for Spastic tetraplegia and axial hypotonia, progressive; Amyotrophic lateral sclerosis type 1. Review status: criteria provided, single submitter. Criteria: ACMG Guidelines, 2015. Collection method: clinical testing. Allele origin: germline.
Comment: Absent from controls (or at extremely low frequency if recessive) in Genome Aggregation Database.;Multiple lines of computational evidence support a deleterious effect on the gene or gene product.;The prevalence of the variant in affected individuals is significantly increased compared to the prevalence in controls.;Patient's phenotype or family history is highly specific for a disease with a single genetic etiology.